The following is an entry in ClinVar:

NM_001352027.3(PHF21A):c.77A>G (p.Gln26Arg)

Gene: PHF21A (PHD finger protein 21A; minus strand). Cytogenetic location: 11p11.2.
Variant type: single nucleotide variant.
Coding change: c.77A>G on transcript NM_001352027.3 (MANE Select); coding-DNA position 77, A replaced by G.
Protein change: p.Gln26Arg; replaces glutamine 26 with arginine.
Molecular consequence: missense variant. On other transcripts: non-coding transcript variant (2).
Genome position (GRCh38, 1-based): chr11:46,079,144, T>C on the plus strand (A>G on the coding strand, the complement: PHF21A is on the minus strand). VCF-style: chr11-46079144-T-C. GRCh37 (hg19) VCF-style: chr11-46100695-T-C.
Other names: c.77A>G, p.Gln26Arg (NM_001101802.3, NM_001352025.3, NM_001352026.3 and 6 more transcripts); short protein forms Q26R.
Identifiers: ClinVar variation 1306854 (VCV001306854.2), dbSNP rs2135079890, ClinGen allele CA380417643.
Genomic context (GRCh38, chr11:46,079,144, plus strand): 5'-TAAATTATTTTTAAATTTAACAATTAAATGAATAACAATAGTAGTTTTACCTGTGGATCC[T>C]GCTTCATTTGAGCAACCAGTTTCTGGTAATAAAGAGAGAAAAAGAGCCATCAGTCTTACA-3'
Protein context (NP_001338956.1, residues 16-36): VHQKLVAQMK[Gln26Arg]DPQNADLKKQ

ClinVar aggregate classification (germline): Uncertain significance (1 of 4 stars; one submission).

Allele frequency attached by ClinVar (database versions not stated): gnomAD exomes below 0.00001.
gnomAD v4.1: 2 of 1,588,928 alleles (0.00013%); highest among the groups gnomAD compares: Non-Finnish European, 0.00017%; no homozygotes.

Submission:

GeneDx
Classification: Uncertain significance. Last evaluated: 2019-07-15. Review status: criteria provided, single submitter. Criteria: GeneDx Variant Classification Process June 2021. Collection method: clinical testing. Allele origin: germline. Affected: yes.
Comment: Not observed in large population cohorts (Lek et al., 2016); In silico analysis, which includes protein predictors and evolutionary conservation, supports a deleterious effect; Has not been previously published as pathogenic or benign to our knowledge